The following is an entry in ClinVar:

ClinVar aggregate classification (germline): Pathogenic (1 of 4 stars; one submission).

Conditions:
RYR1-related disorder. Also called: RYR1-related condition; RYR1-related disorders. Identifiers: MedGen CN239331.

Submission:

Labcorp Genetics (formerly Invitae), Labcorp
Classification: Pathogenic for RYR1-related disorder. Last evaluated: 2023-12-30. Review status: criteria provided, single submitter. Criteria: Invitae Variant Classification Sherloc (09022015). Collection method: clinical testing. Allele origin: germline.
Comment: This sequence change creates a premature translational stop signal (p.Gln3461*) in the RYR1 gene. It is expected to result in an absent or disrupted protein product. Loss-of-function variants in RYR1 are known to be pathogenic (PMID: 23919265, 25960145, 28818389, 30611313). This variant is not present in population databases (gnomAD no frequency). This variant has not been reported in the literature in individuals affected with RYR1-related conditions. Algorithms developed to predict the effect of sequence changes on RNA splicing suggest that this variant may disrupt the consensus splice site. For these reasons, this variant has been classified as Pathogenic.

Literature cited by the submitters: PubMed 23919265; PubMed 25960145; PubMed 28818389; PubMed 30611313.

NM_000540.3(RYR1):c.10381C>T (p.Gln3461Ter)

Gene: RYR1 (ryanodine receptor 1; plus strand). Cytogenetic location: 19q13.2.
Variant type: single nucleotide variant.
Coding change: c.10381C>T on transcript NM_000540.3 (MANE Select); coding-DNA position 10381, C replaced by T.
Protein change: p.Gln3461Ter; replaces glutamine 3461 with a stop codon.
Molecular consequence: nonsense.
Genome position (GRCh38, 1-based): chr19:38,523,250, C>T. VCF-style: chr19-38523250-C-T. GRCh37 (hg19) VCF-style: chr19-39013890-C-T.
Other names: c.10381C>T, p.Gln3461Ter (NM_001042723.2); short protein forms Q3461*.
Identifiers: ClinVar variation 2886824 (VCV002886824.3), dbSNP rs1971304148, ClinGen allele CA405699575.
Genomic context (GRCh38, chr19:38,523,250, plus strand): 5'-GGTCTGCAACACTGCTTCCCCCACCAGAACTTCAAGCGCGAGGAGCAGAACTTTGTGGTC[C>T]AGAATGAGATCAACAACATGTCCTTCCTGACTGCTGACAACAAAAGCAAAATGGCTAAGG-3'